The following is an entry in ClinVar:

NM_024529.5(CDC73):c.445G>A (p.Asp149Asn)

Gene: CDC73 (cell division cycle 73; plus strand). Cytogenetic location: 1q31.2.
Variant type: single nucleotide variant.
Coding change: c.445G>A on transcript NM_024529.5 (MANE Select); coding-DNA position 445, G replaced by A.
Protein change: p.Asp149Asn; replaces aspartic acid 149 with asparagine.
Molecular consequence: missense variant.
Genome position (GRCh38, 1-based): chr1:193,138,106, G>A. VCF-style: chr1-193138106-G-A. GRCh37 (hg19) VCF-style: chr1-193107236-G-A.
Other names: short protein forms D149N.
Identifiers: ClinVar variation 3488533 (VCV003488533.1).
Genomic context (GRCh38, chr1:193,138,106, plus strand): 5'-ATAAAAATTTTAAATGCATTAACCAGTGGTTATTTCCAGGATGAAGAGTGTGTGCGCCTT[G>A]ATAAAGAGAGATTGGCTGCCCGTTTGGAGGGTCACAAAGAAGGGATTGTACAGACTGAAC-3'
Protein context (NP_078805.3, residues 139-159): RIEDEECVRL[Asp149Asn]KERLAARLEG

ClinVar aggregate classification (germline): Uncertain significance (1 of 4 stars; one submission).

Conditions:
Hereditary cancer-predisposing syndrome. Also called: Tumor predisposition; Neoplastic Syndromes, Hereditary; Hereditary Cancer Syndrome; Hereditary neoplastic syndrome. Identifiers: Orphanet 140162, MedGen C0027672, MeSH D009386, MONDO:0015356.

Submission:

Ambry Genetics
Classification: Uncertain significance for Hereditary cancer-predisposing syndrome. Last evaluated: 2024-11-21. Review status: criteria provided, single submitter. Criteria: Ambry Variant Classification Scheme 2023. Collection method: clinical testing. Allele origin: germline.
Comment: The p.D149N variant (also known as c.445G>A), located in coding exon 6 of the CDC73 gene, results from a G to A substitution at nucleotide position 445. The aspartic acid at codon 149 is replaced by asparagine, an amino acid with highly similar properties. This amino acid position is highly conserved in available vertebrate species. In addition, this alteration is predicted to be tolerated by in silico analysis. Based on the available evidence, the clinical significance of this variant remains unclear.